The following is an entry in ClinVar:

ClinVar aggregate classification (germline): Uncertain significance (1 of 4 stars; one submission).

Conditions:
T-cell immunodeficiency, congenital alopecia, and nail dystrophy. Also called: Congenital alopecia and nail dystrophy associated with severe functional T-cell immunodeficiency; Pignata Guarino syndrome. Identifiers: Orphanet 169095, MedGen C1866426, MONDO:0011132, OMIM 601705.

Allele frequency attached by ClinVar (database versions not stated): gnomAD exomes below 0.00001.
gnomAD v4.1: 2 of 1,613,540 alleles (0.00012%); highest among the groups gnomAD compares: Non-Finnish European, 0.000085%; no homozygotes.

Submission:

Labcorp Genetics (formerly Invitae), Labcorp
Classification: Uncertain significance for T-cell immunodeficiency, congenital alopecia, and nail dystrophy. Last evaluated: 2022-04-25. Review status: criteria provided, single submitter. Criteria: Invitae Variant Classification Sherloc (09022015). Collection method: clinical testing. Allele origin: germline.
Comment: Algorithms developed to predict the effect of missense changes on protein structure and function (SIFT, PolyPhen-2, Align-GVGD) all suggest that this variant is likely to be tolerated. This variant has not been reported in the literature in individuals affected with FOXN1-related conditions. This variant is not present in population databases (gnomAD no frequency). This sequence change replaces aspartic acid, which is acidic and polar, with glycine, which is neutral and non-polar, at codon 97 of the FOXN1 protein (p.Asp97Gly). In summary, the available evidence is currently insufficient to determine the role of this variant in disease. Therefore, it has been classified as a Variant of Uncertain Significance.

NM_001369369.1(FOXN1):c.290A>G (p.Asp97Gly)

Gene: FOXN1 (forkhead box N1; plus strand). Cytogenetic location: 17q11.2.
Variant type: single nucleotide variant.
Coding change: c.290A>G on transcript NM_001369369.1 (MANE Select); coding-DNA position 290, A replaced by G.
Protein change: p.Asp97Gly; replaces aspartic acid 97 with glycine.
Molecular consequence: missense variant.
Genome position (GRCh38, 1-based): chr17:28,524,669, A>G. VCF-style: chr17-28524669-A-G. GRCh37 (hg19) VCF-style: chr17-26851687-A-G.
Other names: c.290A>G, p.Asp97Gly (NM_003593.3); short protein forms D97G.
Identifiers: ClinVar variation 2121558 (VCV002121558.4), dbSNP rs2508355748, ClinGen allele CA398321078.